The following is an entry in ClinVar:

NM_001005273.3(CHD3):c.5294A>G (p.Asn1765Ser)

Gene: CHD3 (chromodomain helicase DNA binding protein 3; plus strand). Cytogenetic location: 17p13.1.
Variant type: single nucleotide variant.
Coding change: c.5294A>G on transcript NM_001005273.3 (MANE Select); coding-DNA position 5294, A replaced by G.
Protein change: p.Asn1765Ser; replaces asparagine 1765 with serine.
Molecular consequence: missense variant.
Genome position (GRCh38, 1-based): chr17:7,908,729, A>G. VCF-style: chr17-7908729-A-G. GRCh37 (hg19) VCF-style: chr17-7812047-A-G.
Other names: c.5471A>G, p.Asn1824Ser (NM_001005271.3, NM_001437504.1); c.5459A>G, p.Asn1820Ser (NM_001437507.1); c.5357A>G, p.Asn1786Ser (NM_001437508.1); c.5462A>G, p.Asn1821Ser (NM_001437509.1); c.5192A>G, p.Asn1731Ser (NM_005852.4); short protein forms N1820S, N1821S, N1731S, N1765S, N1786S, N1824S.
Identifiers: ClinVar variation 5005846 (VCV005005846.2).

ClinVar aggregate classification (germline): Uncertain significance (1 of 4 stars; one submission).

Conditions:
Snijders Blok-Campeau syndrome. Also called: INTELLECTUAL DEVELOPMENTAL DISORDER WITH MACROCEPHALY, SPEECH DELAY, AND DYSMORPHIC FACIES. Identifiers: Orphanet 599082, MedGen C4748701, MONDO:0032600, OMIM 618205.

Submission:

Juno Genomics, Hangzhou Juno Genomics, Inc
Classification: Uncertain significance for Snijders Blok-Campeau syndrome. Review status: criteria provided, single submitter. Criteria: ACMG Guidelines, 2015. Collection method: clinical testing. Allele origin: germline.
Comment: Absent from controls (or at extremely low frequency if recessive) in Genome Aggregation Database.;Missense variant in a gene that has a low rate of benign missense variation.;Multiple lines of computational evidence support a deleterious effect on the gene or gene product.